The following is an entry in ClinVar:

ClinVar aggregate classification (germline): Uncertain significance (1 of 4 stars; one submission).

gnomAD v4.1: 6 of 1,613,554 alleles (0.00037%); highest among the groups gnomAD compares: Admixed American, 0.0033%; no homozygotes.

Submission:

Labcorp Genetics (formerly Invitae), Labcorp
Classification: Uncertain significance. Last evaluated: 2025-10-04. Review status: criteria provided, single submitter. Criteria: Invitae Variant Classification Sherloc (09022015). Collection method: clinical testing. Allele origin: germline.
Comment: This sequence change replaces arginine, which is basic and polar, with tryptophan, which is neutral and slightly polar, at codon 107 of the SOX6 protein (p.Arg107Trp). This variant is present in population databases (rs760064805, gnomAD 0.006%). This variant has not been reported in the literature in individuals affected with SOX6-related conditions. Invitae Evidence Modeling of protein sequence and biophysical properties (such as structural, functional, and spatial information, amino acid conservation, physicochemical variation, residue mobility, and thermodynamic stability) indicates that this missense variant is not expected to disrupt SOX6 protein function with a negative predictive value of 80%. In summary, the available evidence is currently insufficient to determine the role of this variant in disease. Therefore, it has been classified as a Variant of Uncertain Significance.

NM_001367873.1(SOX6):c.319C>T (p.Arg107Trp)

Gene: SOX6 (SRY-box transcription factor 6; minus strand). Cytogenetic location: 11p15.2.
Variant type: single nucleotide variant.
Coding change: c.319C>T on transcript NM_001367873.1 (MANE Select); coding-DNA position 319, C replaced by T.
Protein change: p.Arg107Trp; replaces arginine 107 with tryptophan.
Molecular consequence: missense variant.
Genome position (GRCh38, 1-based): chr11:16,318,572, G>A on the plus strand (C>T on the coding strand, the complement: SOX6 is on the minus strand). VCF-style: chr11-16318572-G-A. GRCh37 (hg19) VCF-style: chr11-16340118-G-A.
Other names: c.319C>T, p.Arg107Trp (NM_001145811.2, NM_001145819.2, NM_001367872.1 and 2 more transcripts); short protein forms R107W.
Identifiers: ClinVar variation 4774395 (VCV004774395.1).